The following is an entry in ClinVar:

ClinVar aggregate classification (germline): Uncertain significance. Review status: criteria provided, multiple submitters, no conflicts (2 of 4 stars). 2 submissions from 2 submitters: Uncertain significance (2). Last evaluated 2026-01-26.

Conditions:
Hereditary cancer-predisposing syndrome. Also called: Neoplastic Syndromes, Hereditary; Tumor predisposition; Hereditary Cancer Syndrome; Hereditary neoplastic syndrome. Identifiers: Orphanet 140162, MedGen C0027672, MeSH D009386, MONDO:0015356.
Mitochondrial complex II deficiency, nuclear type 1. Also called: SUCCINATE CoQ REDUCTASE DEFICIENCY. Identifiers: Orphanet 3208, MedGen C5700310, MONDO:0100294, OMIM 252011.
Pheochromocytoma/paraganglioma syndrome 5. Also called: Paragangliomas 5; SDHA-Related Hereditary Paraganglioma-Pheochromocytoma Syndrome. Identifiers: Orphanet 29072, MedGen C3279992, MONDO:0013602, OMIM 614165.

Submissions (2):

Labcorp Genetics (formerly Invitae), Labcorp
Classification: Uncertain significance for Pheochromocytoma/paraganglioma syndrome 5; Mitochondrial complex II deficiency, nuclear type 1. Last evaluated: 2026-01-26. Review status: criteria provided, single submitter. Criteria: Invitae Variant Classification Sherloc (09022015). Collection method: clinical testing. Allele origin: germline.
Comment: This sequence change replaces threonine, which is neutral and polar, with isoleucine, which is neutral and non-polar, at codon 281 of the SDHA protein (p.Thr281Ile). This variant is not present in population databases (gnomAD no frequency). This variant has not been reported in the literature in individuals affected with SDHA-related conditions. ClinVar contains an entry for this variant (Variation ID: 2952817). Invitae Evidence Modeling of protein sequence and biophysical properties (such as structural, functional, and spatial information, amino acid conservation, physicochemical variation, residue mobility, and thermodynamic stability) indicates that this missense variant is not expected to disrupt SDHA protein function with a negative predictive value of 95%. In summary, the available evidence is currently insufficient to determine the role of this variant in disease. Therefore, it has been classified as a Variant of Uncertain Significance.

Ambry Genetics
Classification: Uncertain significance for Hereditary cancer-predisposing syndrome. Last evaluated: 2024-12-08. Review status: criteria provided, single submitter. Criteria: Ambry Variant Classification Scheme 2023. Collection method: clinical testing. Allele origin: germline.
Comment: The p.T281I variant (also known as c.842C>T), located in coding exon 7 of the SDHA gene, results from a C to T substitution at nucleotide position 842. The threonine at codon 281 is replaced by isoleucine, an amino acid with similar properties. This amino acid position is conserved. In addition, this alteration is predicted to be deleterious by in silico analysis. Based on the available evidence, the clinical significance of this variant remains unclear.

NM_004168.4(SDHA):c.842C>T (p.Thr281Ile)

Gene: SDHA (succinate dehydrogenase complex flavoprotein subunit A; plus strand). Cytogenetic location: 5p15.33.
Variant type: single nucleotide variant.
Coding change: c.842C>T on transcript NM_004168.4 (MANE Select); coding-DNA position 842, C replaced by T.
Protein change: p.Thr281Ile; replaces threonine 281 with isoleucine.
Molecular consequence: missense variant.
Genome position (GRCh38, 1-based): chr5:230,947, C>T. VCF-style: chr5-230947-C-T. GRCh37 (hg19) VCF-style: chr5-231062-C-T.
Other names: c.842C>T (NM_004168.2); c.698C>T, p.Thr233Ile (NM_001294332.2); c.842C>T, p.Thr281Ile (NM_001330758.2); short protein forms T233I, T281I.
Identifiers: ClinVar variation 2952817 (VCV002952817.4), dbSNP rs1735360804, ClinGen allele CA359011800.